The following is an entry in ClinVar:

ClinVar aggregate classification (germline): Benign (1 of 4 stars; one submission).

Allele frequency attached by ClinVar (database versions not stated): 1000 Genomes Project 0.09525; 1000 Genomes Project 30x 0.09603; gnomAD 0.10096 and 0.10233; gnomAD exomes 0.10428; TOPMed 0.10523.
gnomAD v4.1: 124,885 of 1,196,180 alleles (10%); highest among the groups gnomAD compares: Middle Eastern, 14%; 7,168 homozygotes.

Submission:

GeneDx
Classification: Benign. Last evaluated: 2018-06-13. Review status: criteria provided, single submitter. Criteria: GeneDx Variant Classification (06012015). Collection method: clinical testing. Allele origin: germline. Affected: yes.
Comment: This variant is considered likely benign or benign based on one or more of the following criteria: it is a conservative change, it occurs at a poorly conserved position in the protein, it is predicted to be benign by multiple in silico algorithms, and/or has population frequency not consistent with disease.

NM_016356.5(DCDC2):c.922+77C>G

Gene: DCDC2 (doublecortin domain containing 2; minus strand). Cytogenetic location: 6p22.3.
Variant type: single nucleotide variant.
Coding change: c.922+77C>G on transcript NM_016356.5 (MANE Select); 77 bases into the intron after coding-DNA position 922, C replaced by G.
Molecular consequence: intron variant.
Genome position (GRCh38, 1-based): chr6:24,277,972, G>C on the plus strand (C>G on the coding strand, the complement: DCDC2 is on the minus strand). VCF-style: chr6-24277972-G-C. GRCh37 (hg19) VCF-style: chr6-24278200-G-C.
Other names: c.922+77C>G (NM_001195610.2).
Identifiers: ClinVar variation 682992 (VCV000682992.1), dbSNP rs3846827, ClinGen allele CA136634446.